The following is an entry in ClinVar:

NM_005732.4(RAD50):c.3534A>G (p.Lys1178=)

Genes: RAD50 (RAD50 double strand break repair protein; plus strand), TH2-LCR (Th2 cytokine locus control region; plus strand), TH2LCRR (T helper type 2 locus control region associated RNA; minus strand). Cytogenetic location: 5q31.1.
Variant type: single nucleotide variant.
Coding change: c.3534A>G on transcript NM_005732.4 (MANE Select); coding-DNA position 3534, A replaced by G.
Protein change: p.Lys1178=; no amino-acid change (lysine 1178 retained).
Molecular consequence: synonymous variant. On other transcripts: non-coding transcript variant (2).
Genome position (GRCh38, 1-based): chr5:132,638,139, A>G. VCF-style: chr5-132638139-A-G. GRCh37 (hg19) VCF-style: chr5-131973831-A-G.
Identifiers: ClinVar variation 3572259 (VCV003572259.2).

ClinVar aggregate classification (germline): Conflicting classifications of pathogenicity. Review status: criteria provided, conflicting classifications (1 of 4 stars). 2 submissions from 2 submitters: Uncertain significance (1); Likely benign (1). Last evaluated 2026-04-04.

Conditions:
Hereditary cancer-predisposing syndrome. Also called: Hereditary neoplastic syndrome; Tumor predisposition; Hereditary Cancer Syndrome; Neoplastic Syndromes, Hereditary. Identifiers: Orphanet 140162, MedGen C0027672, MeSH D009386, MONDO:0015356.

Submissions (2):

Ambry Genetics
Classification: Likely benign for Hereditary cancer-predisposing syndrome. Last evaluated: 2026-04-04. Review status: criteria provided, single submitter. Criteria: Ambry Variant Classification Scheme 2023. Collection method: clinical testing. Allele origin: germline.

Quest Diagnostics Nichols Institute San Juan Capistrano
Classification: Uncertain significance. Last evaluated: 2024-02-15. Review status: criteria provided, single submitter. Criteria: Quest Diagnostics criteria. Collection method: clinical testing. Allele origin: unknown.
Comment: The RAD50 c.3534A>G (p.Lys1178=) synonymous variant has not been reported in individuals with RAD50-related conditions in the published literature. It also has not been reported in large, multi-ethnic general populations (Genome Aggregation Database). Analysis of this variant using software algorithms for the prediction of the effect of nucleotide changes on splicing yielded predictions that this variant does not affect RAD50 mRNA splicing. Based on the available information, we are unable to determine the clinical significance of this variant.